The following is an entry in ClinVar:

ClinVar aggregate classification (germline): Uncertain significance (1 of 4 stars; one submission).

Conditions:
Hereditary cancer-predisposing syndrome. Also called: Neoplastic Syndromes, Hereditary; Tumor predisposition; Hereditary Cancer Syndrome; Hereditary neoplastic syndrome. Identifiers: Orphanet 140162, MedGen C0027672, MeSH D009386, MONDO:0015356.

Submission:

Ambry Genetics
Classification: Uncertain significance for Hereditary cancer-predisposing syndrome. Last evaluated: 2025-11-26. Review status: criteria provided, single submitter. Criteria: Ambry Variant Classification Scheme 2023. Collection method: clinical testing. Allele origin: germline.
Comment: The p.V691D variant (also known as c.2072T>A), located in coding exon 14 of the NBN gene, results from a T to A substitution at nucleotide position 2072. The valine at codon 691 is replaced by aspartic acid, an amino acid with highly dissimilar properties. This amino acid position is well conserved in available vertebrate species. In addition, this alteration is predicted to be tolerated by in silico analysis. Since supporting evidence is limited at this time, the clinical significance of this alteration remains unclear.

NM_002485.5(NBN):c.2072T>A (p.Val691Asp)

Gene: NBN (nibrin; minus strand). Cytogenetic location: 8q21.3.
Variant type: single nucleotide variant.
Coding change: c.2072T>A on transcript NM_002485.5 (MANE Select); coding-DNA position 2072, T replaced by A.
Protein change: p.Val691Asp; replaces valine 691 with aspartic acid.
Molecular consequence: missense variant.
Genome position (GRCh38, 1-based): chr8:89,943,365, A>T on the plus strand (T>A on the coding strand, the complement: NBN is on the minus strand). VCF-style: chr8-89943365-A-T. GRCh37 (hg19) VCF-style: chr8-90955593-A-T.
Other names: c.1826T>A, p.Val609Asp (NM_001024688.3); short protein forms V691D, V609D.
Identifiers: ClinVar variation 1785416 (VCV001785416.3), dbSNP rs1563508748, ClinGen allele CA371675935.